The following is an entry in ClinVar:

NM_031263.4(HNRNPK):c.763A>G (p.Met255Val)

Gene: HNRNPK (heterogeneous nuclear ribonucleoprotein K; minus strand). Cytogenetic location: 9q21.32.
Variant type: single nucleotide variant.
Coding change: c.763A>G on transcript NM_031263.4 (MANE Select); coding-DNA position 763, A replaced by G.
Protein change: p.Met255Val; replaces methionine 255 with valine.
Molecular consequence: missense variant.
Genome position (GRCh38, 1-based): chr9:83,972,072, T>C on the plus strand (A>G on the coding strand, the complement: HNRNPK is on the minus strand). VCF-style: chr9-83972072-T-C. GRCh37 (hg19) VCF-style: chr9-86586987-T-C.
Other names: c.691A>G, p.Met231Val (NM_001318186.2, NM_001318187.2); c.763A>G, p.Met255Val (NM_001318188.2, NM_002140.5, NM_031262.4); short protein forms M231V, M255V.
Identifiers: ClinVar variation 2789906 (VCV002789906.3), dbSNP rs771615440, ClinGen allele CA5104082.

ClinVar aggregate classification (germline): Uncertain significance (1 of 4 stars; one submission).

Allele frequency attached by ClinVar (database versions not stated): gnomAD exomes below 0.00001; ExAC 0.00001; TOPMed 0.00001.

Submission:

Labcorp Genetics (formerly Invitae), Labcorp
Classification: Uncertain significance. Last evaluated: 2023-07-29. Review status: criteria provided, single submitter. Criteria: Invitae Variant Classification Sherloc (09022015). Collection method: clinical testing. Allele origin: germline.
Comment: In summary, the available evidence is currently insufficient to determine the role of this variant in disease. Therefore, it has been classified as a Variant of Uncertain Significance. Advanced modeling of protein sequence and biophysical properties (such as structural, functional, and spatial information, amino acid conservation, physicochemical variation, residue mobility, and thermodynamic stability) performed at Invitae indicates that this missense variant is not expected to disrupt HNRNPK protein function. This variant has not been reported in the literature in individuals affected with HNRNPK-related conditions. This variant is present in population databases (rs771615440, gnomAD 0.003%). This sequence change replaces methionine, which is neutral and non-polar, with valine, which is neutral and non-polar, at codon 255 of the HNRNPK protein (p.Met255Val).